The following is an entry in ClinVar:

ClinVar aggregate classification (germline): Uncertain significance (1 of 4 stars; one submission).

Submission:

Labcorp Genetics (formerly Invitae), Labcorp
Classification: Uncertain significance. Last evaluated: 2024-10-15. Review status: criteria provided, single submitter. Criteria: Invitae Variant Classification Sherloc (09022015). Collection method: clinical testing. Allele origin: germline.
Comment: This sequence change replaces glutamic acid, which is acidic and polar, with aspartic acid, which is acidic and polar, at codon 1348 of the SETD1A protein (p.Glu1348Asp). The frequency data for this variant in the population databases is considered unreliable, as metrics indicate poor data quality at this position in the gnomAD database. This variant has not been reported in the literature in individuals affected with SETD1A-related conditions. Experimental studies and prediction algorithms are not available or were not evaluated, and the functional significance of this variant is currently unknown. In summary, the available evidence is currently insufficient to determine the role of this variant in disease. Therefore, it has been classified as a Variant of Uncertain Significance.

NM_014712.3(SETD1A):c.4044G>T (p.Glu1348Asp)

Gene: SETD1A (SET domain containing 1A, histone lysine methyltransferase; plus strand). Cytogenetic location: 16p11.2.
Variant type: single nucleotide variant.
Coding change: c.4044G>T on transcript NM_014712.3 (MANE Select); coding-DNA position 4044, G replaced by T.
Protein change: p.Glu1348Asp; replaces glutamic acid 1348 with aspartic acid.
Molecular consequence: missense variant.
Genome position (GRCh38, 1-based): chr16:30,979,830, G>T. VCF-style: chr16-30979830-G-T. GRCh37 (hg19) VCF-style: chr16-30991151-G-T.
Other names: short protein forms E1348D.
Identifiers: ClinVar variation 3712670 (VCV003712670.2).